The following is an entry in ClinVar:

NM_016373.4(WWOX):c.630C>T (p.Asn210=)

Gene: WWOX (WW domain containing oxidoreductase; plus strand). Cytogenetic location: 16q23.1.
Variant type: single nucleotide variant.
Coding change: c.630C>T on transcript NM_016373.4 (MANE Select); coding-DNA position 630, C replaced by T.
Protein change: p.Asn210=; no amino-acid change (asparagine 210 retained).
Molecular consequence: synonymous variant.
Genome position (GRCh38, 1-based): chr16:78,424,894, C>T. VCF-style: chr16-78424894-C-T. GRCh37 (hg19) VCF-style: chr16-78458791-C-T.
Other names: c.291C>T, p.Asn97= (NM_001291997.2).
Identifiers: ClinVar variation 697309 (VCV000697309.34), dbSNP rs547619401, ClinGen allele CA8183395.

ClinVar aggregate classification (germline): Likely benign. Review status: criteria provided, multiple submitters, no conflicts (2 of 4 stars). 2 submissions from 2 submitters: Likely benign (2). Last evaluated 2024-10-15.

Conditions:
Developmental and epileptic encephalopathy, 1 (DEE1). Also called: Epileptic encephalopathy, early infantile, 1; X-linked infantile spasms; West's syndrome; Tonic spasms with clustering, arrest of psychomotor development and hypsarrhythmia on EEG; X-Linked Infantile Spasm Syndrome; OHTAHARA SYNDROME, X-LINKED. Identifiers: MedGen C3463992, MONDO:0010632, OMIM 308350. Disease mechanism: loss of function.
Autosomal recessive spinocerebellar ataxia 12. Also called: SPINOCEREBELLAR ATAXIA WITH MENTAL RETARDATION AND EPILEPSY. Identifiers: Orphanet 284282, MedGen C3280452, MONDO:0013687, OMIM 614322.

Allele frequency attached by ClinVar (database versions not stated): TOPMed 0.00002; gnomAD exomes 0.00003 and 0.00005; ExAC 0.00006; 1000 Genomes Project 0.00020; 1000 Genomes Project 30x 0.00031.
gnomAD v4.1: 52 of 1,614,090 alleles (0.0032%); highest among the groups gnomAD compares: East Asian, 0.031%; no homozygotes.

Submissions (2):

Labcorp Genetics (formerly Invitae), Labcorp
Classification: Likely benign for Developmental and epileptic encephalopathy, 1; Autosomal recessive spinocerebellar ataxia 12. Last evaluated: 2024-10-15. Review status: criteria provided, single submitter. Criteria: Invitae Variant Classification Sherloc (09022015). Collection method: clinical testing. Allele origin: germline.

CeGaT Center for Human Genetics Tuebingen
Classification: Likely benign. Last evaluated: 2023-11-01. Review status: criteria provided, single submitter. Criteria: CeGaT Center For Human Genetics Tuebingen Variant Classification Criteria Version 2. Collection method: clinical testing. Allele origin: germline. Affected: yes. Observed: 1 variant allele.
Comment: WWOX: BP4, BP7